The following is an entry in ClinVar:

NM_022552.5(DNMT3A):c.1149G>A (p.Leu383=)

Gene: DNMT3A (DNA methyltransferase 3 alpha; minus strand). Cytogenetic location: 2p23.3.
Variant type: single nucleotide variant.
Coding change: c.1149G>A on transcript NM_022552.5 (MANE Select); coding-DNA position 1149, G replaced by A.
Protein change: p.Leu383=; no amino-acid change (leucine 383 retained).
Molecular consequence: synonymous variant. On other transcripts: non-coding transcript variant (1).
Genome position (GRCh38, 1-based): chr2:25,246,750, C>T on the plus strand (G>A on the coding strand, the complement: DNMT3A is on the minus strand). VCF-style: chr2-25246750-C-T. GRCh37 (hg19) VCF-style: chr2-25469619-C-T.
Other names: c.1149G>A (NM_022552.3); c.693G>A, p.Leu231= (NM_001320893.1); c.480G>A, p.Leu160= (NM_001375819.1); c.582G>A, p.Leu194= (NM_153759.3); c.1149G>A, p.Leu383= (NM_175629.2).
Identifiers: ClinVar variation 1928759 (VCV001928759.7), dbSNP rs1304501372, ClinGen allele CA425353575.

ClinVar aggregate classification (germline): Likely benign. Review status: criteria provided, multiple submitters, no conflicts (2 of 4 stars). 3 submissions from 3 submitters: Likely benign (2). 1 of the submissions does not count toward it. Last evaluated 2025-01-07.

Conditions:
Inborn genetic diseases. Identifiers: MedGen C0950123, MeSH D030342.
DNMT3A-related disorder. Also called: DNMT3A-related condition; DNMT3A-related disorders.
Tatton-Brown-Rahman overgrowth syndrome. Also called: Tall stature-intellectual disability-facial dysmorphism syndrome; Tatton-Brown-Rahman syndrome. Identifiers: Orphanet 404443, MedGen C4014545, MONDO:0014382, OMIM 615879.

Allele frequency attached by ClinVar (database versions not stated): gnomAD exomes below 0.00001; gnomAD 0.00001; TOPMed 0.00001.
gnomAD v4.1: 5 of 1,613,718 alleles (0.00031%); highest among the groups gnomAD compares: African/African-American, 0.0053%; no homozygotes.

Submissions (3):

Ambry Genetics
Classification: Likely benign for Inborn genetic diseases. Last evaluated: 2025-01-07. Review status: criteria provided, single submitter. Criteria: Ambry Variant Classification Scheme 2023. Collection method: clinical testing. Allele origin: germline.

Labcorp Genetics (formerly Invitae), Labcorp
Classification: Likely benign for Tatton-Brown-Rahman overgrowth syndrome. Last evaluated: 2022-06-19. Review status: criteria provided, single submitter. Criteria: Invitae Variant Classification Sherloc (09022015). Collection method: clinical testing. Allele origin: germline.

PreventionGenetics, part of Exact Sciences
Classification: Likely benign for DNMT3A-related condition. Last evaluated: 2023-02-08. Review status: no assertion criteria provided. Collection method: clinical testing. Allele origin: germline. Not counted in ClinVar's aggregate classification.
Comment: This variant is classified as likely benign based on ACMG/AMP sequence variant interpretation guidelines (Richards et al. 2015 PMID: 25741868, with internal and published modifications).